The following is an entry in ClinVar:

ClinVar aggregate classification (germline): Uncertain significance (1 of 4 stars; one submission).

Conditions:
Familial focal epilepsy with variable foci (FPEVF). Identifiers: Orphanet 98820, MedGen C1858477, MONDO:0020310.

Allele frequency attached by ClinVar (database versions not stated): gnomAD exomes below 0.00001.
gnomAD v4.1: 1 of 1,614,148 alleles (0.000062%); highest among the groups gnomAD compares: Non-Finnish European, 0.000085%; no homozygotes.

Submission:

Labcorp Genetics (formerly Invitae), Labcorp
Classification: Uncertain significance for Familial focal epilepsy with variable foci. Last evaluated: 2022-11-25. Review status: criteria provided, single submitter. Criteria: Invitae Variant Classification Sherloc (09022015). Collection method: clinical testing. Allele origin: germline.
Comment: This variant has not been reported in the literature in individuals affected with DEPDC5-related conditions. Algorithms developed to predict the effect of missense changes on protein structure and function are either unavailable or do not agree on the potential impact of this missense change (SIFT: "Tolerated"; PolyPhen-2: "Not Available"; Align-GVGD: "Class C0"). In summary, the available evidence is currently insufficient to determine the role of this variant in disease. Therefore, it has been classified as a Variant of Uncertain Significance. This sequence change replaces methionine, which is neutral and non-polar, with isoleucine, which is neutral and non-polar, at codon 808 of the DEPDC5 protein (p.Met808Ile). This variant is not present in population databases (gnomAD no frequency).

NM_001242896.3(DEPDC5):c.2424G>T (p.Met808Ile)

Gene: DEPDC5 (DEP domain containing 5, GATOR1 subcomplex subunit; plus strand). Cytogenetic location: 22q12.3.
Variant type: single nucleotide variant.
Coding change: c.2424G>T on transcript NM_001242896.3 (MANE Select); coding-DNA position 2424, G replaced by T.
Protein change: p.Met808Ile; replaces methionine 808 with isoleucine.
Molecular consequence: missense variant. On other transcripts: non-coding transcript variant (5).
Genome position (GRCh38, 1-based): chr22:31,838,754, G>T. VCF-style: chr22-31838754-G-T. GRCh37 (hg19) VCF-style: chr22-32234740-G-T.
Other names: c.2190G>T, p.Met730Ile (NM_001242897.2, NM_001363854.2, NM_001364319.2); c.2424G>T, p.Met808Ile (NM_001363852.2, NM_001364320.2, NM_001364318.2); c.2340G>T, p.Met780Ile (NM_001369901.1, NM_001369902.1); c.2397G>T, p.Met799Ile (NM_001369903.1, NM_014662.6, NM_001136029.4); short protein forms M780I, M799I, M808I, M730I.
Identifiers: ClinVar variation 2848259 (VCV002848259.3), dbSNP rs2519944777, ClinGen allele CA411286614.
Genomic context (GRCh38, chr22:31,838,754, plus strand): 5'-AGATGGTGTGCAGATGACAGCCCAGCAGGTATTTGAAGAGTTTATTTGCCAACGTCTCAT[G>T]CAGGGCTACCAAATCATAGTGCAGCCCAAGACACAGAAACCCAATCCTGCTGTCCCGCCC-3'
Protein context (NP_001229825.1, residues 798-818): VFEEFICQRL[Met808Ile]QGYQIIVQPK